The following is an entry in ClinVar:

NM_002427.4(MMP13):c.995A>G (p.Asn332Ser)

Gene: MMP13 (matrix metallopeptidase 13; minus strand). Cytogenetic location: 11q22.2.
Variant type: single nucleotide variant.
Coding change: c.995A>G on transcript NM_002427.4 (MANE Select); coding-DNA position 995, A replaced by G.
Protein change: p.Asn332Ser; replaces asparagine 332 with serine.
Molecular consequence: missense variant.
Genome position (GRCh38, 1-based): chr11:102,949,081, T>C on the plus strand (A>G on the coding strand, the complement: MMP13 is on the minus strand). VCF-style: chr11-102949081-T-C. GRCh37 (hg19) VCF-style: chr11-102819810-T-C.
Other names: short protein forms N332S.
Identifiers: ClinVar variation 4807765 (VCV004807765.1).

ClinVar aggregate classification (germline): Uncertain significance (1 of 4 stars; one submission).

Submission:

Labcorp Genetics (formerly Invitae), Labcorp
Classification: Uncertain significance. Last evaluated: 2025-12-15. Review status: criteria provided, single submitter. Criteria: Invitae Variant Classification Sherloc (09022015). Collection method: clinical testing. Allele origin: germline.
Comment: This sequence change replaces asparagine, which is neutral and polar, with serine, which is neutral and polar, at codon 332 of the MMP13 protein (p.Asn332Ser). This variant is not present in population databases (gnomAD no frequency). This variant has not been reported in the literature in individuals affected with MMP13-related conditions. Invitae Evidence Modeling of protein sequence and biophysical properties (such as structural, functional, and spatial information, amino acid conservation, physicochemical variation, residue mobility, and thermodynamic stability) indicates that this missense variant is not expected to disrupt MMP13 protein function with a negative predictive value of 80%. In summary, the available evidence is currently insufficient to determine the role of this variant in disease. Therefore, it has been classified as a Variant of Uncertain Significance.